The following is an entry in ClinVar:

NM_015466.4(PTPN23):c.695G>A (p.Arg232Gln)

Gene: PTPN23 (protein tyrosine phosphatase non-receptor type 23; plus strand). Cytogenetic location: 3p21.31.
Variant type: single nucleotide variant.
Coding change: c.695G>A on transcript NM_015466.4 (MANE Select); coding-DNA position 695, G replaced by A.
Protein change: p.Arg232Gln; replaces arginine 232 with glutamine.
Molecular consequence: missense variant.
Genome position (GRCh38, 1-based): chr3:47,406,548, G>A. VCF-style: chr3-47406548-G-A. GRCh37 (hg19) VCF-style: chr3-47448038-G-A.
Other names: c.317G>A, p.Arg106Gln (NM_001304482.2); c.695G>A (NM_015466.2); short protein forms R232Q, R106Q.
Identifiers: ClinVar variation 636322 (VCV000636322.7), dbSNP rs577689618, ClinGen allele CA2365431.
Genomic context (GRCh38, chr3:47,406,548, plus strand): 5'-ATTACTACAAGGAGGCATGCCGGGCCTTGGAGAACCCCGACACTGCCTCACTGCTGGGCC[G>A]GATCCAGAAGGACTGGAAGAAACTTGTGCAGATGAAGATCTACTACTTCGCAGCCGTGGC-3'
Protein context (NP_056281.1, residues 222-242): ENPDTASLLG[Arg232Gln]IQKDWKKLVQ

ClinVar aggregate classification (germline): Uncertain significance. Review status: criteria provided, multiple submitters, no conflicts (2 of 4 stars). 3 submissions from 3 submitters: Uncertain significance (2). 1 of the submissions does not count toward it. Last evaluated 2024-01-09.

Conditions:
Brain atrophy. Identifiers: MedGen C4551584, HP:0012444.
Global developmental delay (DD). Also called: Cognitive delay. Identifiers: MedGen C0557874, HP:0001263. Disease mechanism: loss of function.
Inborn genetic diseases. Identifiers: MedGen C0950123, MeSH D030342.

Allele frequency attached by ClinVar (database versions not stated): gnomAD 0.00009; TOPMed 0.00012; 1000 Genomes Project 30x 0.00016; 1000 Genomes Project 0.00020.

Submissions (3):

Labcorp Genetics (formerly Invitae), Labcorp
Classification: Uncertain significance. Last evaluated: 2024-01-09. Review status: criteria provided, single submitter. Criteria: Invitae Variant Classification Sherloc (09022015). Collection method: clinical testing. Allele origin: germline.
Comment: This sequence change replaces arginine, which is basic and polar, with glutamine, which is neutral and polar, at codon 232 of the PTPN23 protein (p.Arg232Gln). This variant is present in population databases (rs577689618, gnomAD 0.009%). This missense change has been observed in individual(s) with PTPN23-related conditions (PMID: 31395947). ClinVar contains an entry for this variant (Variation ID: 636322). Experimental studies and prediction algorithms are not available or were not evaluated, and the functional significance of this variant is currently unknown. In summary, the available evidence is currently insufficient to determine the role of this variant in disease. Therefore, it has been classified as a Variant of Uncertain Significance.

Ambry Genetics
Classification: Uncertain significance for Inborn genetic diseases. Last evaluated: 2021-02-01. Review status: criteria provided, single submitter. Criteria: Ambry Variant Classification Scheme 2023. Collection method: clinical testing. Allele origin: germline.

Regeneron Genetics Center, Regeneron
Classification: Likely pathogenic for Global developmental delay; Brain atrophy. Last evaluated: 2019-02-15. Review status: no assertion criteria provided. Collection method: research. Allele origin: germline. Affected: yes. Not counted in ClinVar's aggregate classification.
Comment: Identified in cohort of patients with neurodevelopmental disorder accompanied by structural brain abnormalities

Literature cited by the submitters: PubMed 31395947 (cited by Labcorp Genetics (formerly Invitae), Labcorp).